The following is an entry in ClinVar:

NM_018474.6(KIZ):c.1354C>G (p.Pro452Ala)

Genes: KIZ (kizuna centrosomal protein; plus strand), KIZ-AS1 (KIZ antisense RNA 1; minus strand). Cytogenetic location: 20p11.23.
Variant type: single nucleotide variant.
Coding change: c.1354C>G on transcript NM_018474.6 (MANE Select); coding-DNA position 1354, C replaced by G.
Protein change: p.Pro452Ala; replaces proline 452 with alanine.
Molecular consequence: missense variant.
Genome position (GRCh38, 1-based): chr20:21,205,492, C>G. VCF-style: chr20-21205492-C-G. GRCh37 (hg19) VCF-style: chr20-21186131-C-G.
Other names: c.1045C>G, p.Pro349Ala (NM_001163022.3, NM_001352435.2); c.955C>G, p.Pro319Ala (NM_001163023.3); c.1207C>G, p.Pro403Ala (NM_001276389.2); c.1354C>G, p.Pro452Ala (NM_001352434.2); c.1012C>G, p.Pro338Ala (NM_001352436.2); short protein forms P338A, P319A, P403A, P452A, P349A.
Identifiers: ClinVar variation 1395403 (VCV001395403.6), dbSNP rs2123185985, ClinGen allele CA408489018.

ClinVar aggregate classification (germline): Uncertain significance (1 of 4 stars; one submission).

Submission:

Labcorp Genetics (formerly Invitae), Labcorp
Classification: Uncertain significance. Last evaluated: 2021-11-27. Review status: criteria provided, single submitter. Criteria: Invitae Variant Classification Sherloc (09022015). Collection method: clinical testing. Allele origin: germline.
Comment: This sequence change replaces proline, which is neutral and non-polar, with alanine, which is neutral and non-polar, at codon 452 of the KIZ protein (p.Pro452Ala). This variant is not present in population databases (gnomAD no frequency). This variant has not been reported in the literature in individuals affected with KIZ-related conditions. Experimental studies and prediction algorithms are not available or were not evaluated, and the functional significance of this variant is currently unknown. In summary, the available evidence is currently insufficient to determine the role of this variant in disease. Therefore, it has been classified as a Variant of Uncertain Significance.